The following is an entry in ClinVar:

NM_173854.6(SLC41A1):c.992+3A>G

Gene: SLC41A1 (solute carrier family 41 member 1; minus strand). Cytogenetic location: 1q32.1.
Variant type: single nucleotide variant.
Coding change: c.992+3A>G on transcript NM_173854.6 (MANE Select); 3 bases into the intron after coding-DNA position 992, A replaced by G.
Molecular consequence: intron variant.
Genome position (GRCh38, 1-based): chr1:205,797,901, T>C on the plus strand (A>G on the coding strand, the complement: SLC41A1 is on the minus strand). VCF-style: chr1-205797901-T-C. GRCh37 (hg19) VCF-style: chr1-205767029-T-C.
Identifiers: ClinVar variation 4711722 (VCV004711722.1).

ClinVar aggregate classification (germline): Uncertain significance (1 of 4 stars; one submission).

Submission:

Labcorp Genetics (formerly Invitae), Labcorp
Classification: Uncertain significance. Last evaluated: 2025-03-18. Review status: criteria provided, single submitter. Criteria: Invitae Variant Classification Sherloc (09022015). Collection method: clinical testing. Allele origin: germline.
Comment: This sequence change falls in intron 7 of the SLC41A1 gene. It does not directly change the encoded amino acid sequence of the SLC41A1 protein. It affects a nucleotide within the consensus splice site. This variant is not present in population databases (gnomAD no frequency). This variant has not been reported in the literature in individuals affected with SLC41A1-related conditions. Variants that disrupt the consensus splice site are a relatively common cause of aberrant splicing (PMID: 17576681, 9536098). Algorithms developed to predict the effect of sequence changes on RNA splicing suggest that this variant is not likely to affect RNA splicing. In summary, the available evidence is currently insufficient to determine the role of this variant in disease. Therefore, it has been classified as a Variant of Uncertain Significance.

Literature cited by the submitters: PubMed 17576681; PubMed 9536098.